The following is an entry in ClinVar:

ClinVar aggregate classification (germline): Uncertain significance. Review status: criteria provided, multiple submitters, no conflicts (2 of 4 stars). 2 submissions from 2 submitters: Uncertain significance (2). Last evaluated 2026-08-25.

Conditions:
Retinoblastoma (RB1). Also called: RETINOBLASTOMA, SOMATIC. Identifiers: Orphanet 790, MedGen C0035335, MeSH D012175, MONDO:0008380, OMIM 180200, HP:0009919. Disease mechanism: loss of function. Inheritance: Both sporadic and heritable forms are tested..
Hereditary cancer-predisposing syndrome. Also called: Hereditary Cancer Syndrome; Hereditary neoplastic syndrome; Neoplastic Syndromes, Hereditary; Tumor predisposition. Identifiers: Orphanet 140162, MedGen C0027672, MeSH D009386, MONDO:0015356.

Submissions (2):

Ambry Genetics
Classification: Uncertain significance for Hereditary cancer-predisposing syndrome. Last evaluated: 2026-08-25. Review status: criteria provided, single submitter. Criteria: Ambry Variant Classification Scheme 2023. Collection method: clinical testing. Allele origin: germline.
Comment: The c.1390-3C>G intronic variant results from a C to G substitution 3 nucleotides upstream from coding exon 15 in the RB1 gene. This nucleotide position is not well conserved in available vertebrate species. In silico splice site analysis predicts that this alteration will weaken the native splice acceptor site. Based on the available evidence, the clinical significance of this variant remains unclear.

Labcorp Genetics (formerly Invitae), Labcorp
Classification: Uncertain significance for Retinoblastoma. Last evaluated: 2025-04-17. Review status: criteria provided, single submitter. Criteria: Invitae Variant Classification Sherloc (09022015). Collection method: clinical testing. Allele origin: germline.
Comment: This sequence change falls in intron 14 of the RB1 gene. It does not directly change the encoded amino acid sequence of the RB1 protein. It affects a nucleotide within the consensus splice site. This variant is not present in population databases (gnomAD no frequency). This variant has not been reported in the literature in individuals affected with RB1-related conditions. Variants that disrupt the consensus splice site are a relatively common cause of aberrant splicing (PMID: 17576681, 9536098). Algorithms developed to predict the effect of sequence changes on RNA splicing suggest that this variant may disrupt the consensus splice site. In summary, the available evidence is currently insufficient to determine the role of this variant in disease. Therefore, it has been classified as a Variant of Uncertain Significance.

Literature cited by the submitters: PubMed 17576681 (cited by Labcorp Genetics (formerly Invitae), Labcorp); PubMed 9536098 (cited by Labcorp Genetics (formerly Invitae), Labcorp).

NM_000321.3(RB1):c.1390-3C>G

Gene: RB1 (RB transcriptional corepressor 1; plus strand). Cytogenetic location: 13q14.2.
Variant type: single nucleotide variant.
Coding change: c.1390-3C>G on transcript NM_000321.3 (MANE Select); 3 bases into the intron before coding-DNA position 1390, C replaced by G.
Molecular consequence: intron variant.
Genome position (GRCh38, 1-based): chr13:48,380,050, C>G. VCF-style: chr13-48380050-C-G. GRCh37 (hg19) VCF-style: chr13-48954186-C-G.
Other names: c.1390-3C>G (NM_001407165.1, NM_001407166.1, NM_000321.2).
Identifiers: ClinVar variation 4780780 (VCV004780780.2).